The following is an entry in ClinVar:

ClinVar aggregate classification (germline): Uncertain significance (1 of 4 stars; one submission).

Conditions:
GNAS-related disorder. Identifiers: MedGen CN380105.

Submission:

PreventionGenetics, part of Exact Sciences
Classification: Uncertain significance for GNAS-related condition. Last evaluated: 2025-05-25. Review status: criteria provided, single submitter. Criteria: ACMG Guidelines, 2015. Collection method: clinical testing. Allele origin: germline.
Comment: The GNAS c.1259C>G variant is predicted to result in the amino acid substitution p.Pro420Arg. Of note, in the more commonly reported transcript (NM_000516.5) this variant is pre-coding (c.-37203C>G). To our knowledge, this variant has not been reported in the literature or in a large population database (gnomAD), indicating this variant is rare. At this time, the clinical significance of this variant is uncertain due to the absence of conclusive functional and genetic evidence.

NM_080425.4(GNAS):c.1259C>G (p.Pro420Arg)

Gene: GNAS (GNAS complex locus; plus strand). Cytogenetic location: 20q13.32.
Variant type: single nucleotide variant.
Coding change: c.1259C>G on transcript NM_080425.4 (MANE Plus Clinical); coding-DNA position 1259, C replaced by G.
Protein change: p.Pro420Arg; replaces proline 420 with arginine.
Molecular consequence: missense variant. On other transcripts: intron variant (3).
Genome position (GRCh38, 1-based): chr20:58,854,524, C>G. VCF-style: chr20-58854524-C-G. GRCh37 (hg19) VCF-style: chr20-57429579-C-G.
Other names: c.1072C>G, p.Leu358Val (NM_001077490.3, NM_001309883.1); c.1259C>G, p.Pro420Arg (NM_001410913.1); c.*42+13638C>G (NM_016592.5); c.43+13638C>G (NM_001410912.1); c.-39+12649C>G (NM_001309861.2); short protein forms P420R, L358V.
Identifiers: ClinVar variation 4999538 (VCV004999538.1).